The following is an entry in ClinVar:

NM_006206.6(PDGFRA):c.3218del (p.Met1073fs)

Gene: PDGFRA (platelet derived growth factor receptor alpha; plus strand). Cytogenetic location: 4q12.
Variant type: Deletion.
Coding change: c.3218del on transcript NM_006206.6 (MANE Select); coding-DNA position 3218, one base deleted (T; older notation c.3218delT).
Protein change: p.Met1073fs; shifts the reading frame from methionine 1073.
Molecular consequence: frameshift variant.
Genome position (GRCh38, 1-based): chr4:54,295,220, T deleted. VCF-style (leftmost placement, unchanged base first): chr4-54295219-AT-A. GRCh37 (hg19) VCF-style: chr4-55161386-AT-A.
Other names: c.3293del, p.Met1098fs (NM_001347828.2); c.3218del, p.Met1073fs (NM_001347829.2); c.3257del, p.Met1086fs (NM_001347830.2); c.3218del (NM_006206.4); short protein forms M1086fs, M1073fs, M1098fs.
Identifiers: ClinVar variation 459090 (VCV000459090.15), dbSNP rs756442272, ClinGen allele CA2923061.

ClinVar aggregate classification (germline): Conflicting classifications of pathogenicity. Review status: criteria provided, conflicting classifications (1 of 4 stars). 3 submissions from 3 submitters: Uncertain significance (2); Likely benign (1). Last evaluated 2025-11-03.

Conditions:
Gastrointestinal stromal tumor. Also called: Gastrointestinal stroma tumor; Gastrointestinal stromal tumor, somatic. Identifiers: Orphanet 44890, MedGen C0238198, MeSH D046152, MONDO:0011719, OMIM 606764, HP:0100723.
Hereditary cancer-predisposing syndrome. Also called: Tumor predisposition; Hereditary neoplastic syndrome; Neoplastic Syndromes, Hereditary; Hereditary Cancer Syndrome. Identifiers: Orphanet 140162, MedGen C0027672, MeSH D009386, MONDO:0015356.

Allele frequency attached by ClinVar (database versions not stated): gnomAD exomes below 0.00001 and 0.00002; TOPMed below 0.00001; gnomAD 0.00001; ExAC 0.00002.

Submissions (3):

Labcorp Genetics (formerly Invitae), Labcorp
Classification: Uncertain significance for Gastrointestinal stromal tumor. Last evaluated: 2025-11-03. Review status: criteria provided, single submitter. Criteria: Invitae Variant Classification Sherloc (09022015). Collection method: clinical testing. Allele origin: germline.
Comment: This sequence change creates a premature translational stop signal (p.Met1073Argfs*6) in the PDGFRA gene. While this is not anticipated to result in nonsense mediated decay, it is expected to disrupt the last 17 amino acid(s) of the PDGFRA protein. This variant is present in population databases (rs756442272, gnomAD 0.009%). This variant has not been reported in the literature in individuals affected with PDGFRA-related conditions. ClinVar contains an entry for this variant (Variation ID: 459090). In summary, the available evidence is currently insufficient to determine the role of this variant in disease. Therefore, it has been classified as a Variant of Uncertain Significance.

GeneDx
Classification: Uncertain significance. Last evaluated: 2024-09-04. Review status: criteria provided, single submitter. Criteria: GeneDx Variant Classification Process June 2021. Collection method: clinical testing. Allele origin: germline. Affected: yes.
Comment: Not observed at significant frequency in large population cohorts (gnomAD); Has not been previously published as pathogenic or benign to our knowledge; Frameshift variant predicted to result in abnormal protein length as the last 17 amino acids are replaced with 5 different amino acids with an unclear effect on protein function

Ambry Genetics
Classification: Likely benign for Hereditary cancer-predisposing syndrome. Last evaluated: 2024-03-20. Review status: criteria provided, single submitter. Criteria: Ambry Variant Classification Scheme 2023. Collection method: clinical testing. Allele origin: germline.